The following is an entry in ClinVar:

NM_174936.4(PCSK9):c.322C>T (p.Leu108Phe)

Gene: PCSK9 (proprotein convertase subtilisin/kexin type 9; plus strand). Cytogenetic location: 1p32.3.
Variant type: single nucleotide variant.
Coding change: c.322C>T on transcript NM_174936.4 (MANE Select); coding-DNA position 322, C replaced by T.
Protein change: p.Leu108Phe; replaces leucine 108 with phenylalanine.
Molecular consequence: missense variant.
Genome position (GRCh38, 1-based): chr1:55,043,957, C>T. VCF-style: chr1-55043957-C-T. GRCh37 (hg19) VCF-style: chr1-55509630-C-T.
Other names: short protein forms L108F.
Identifiers: ClinVar variation 375851 (VCV000375851.2), dbSNP rs1057519692, ClinGen allele CA16602284.

ClinVar aggregate classification (germline): Uncertain significance. Review status: criteria provided, multiple submitters, no conflicts (2 of 4 stars). 2 submissions from 2 submitters: Uncertain significance (2). Last evaluated 2025-12-08.

Conditions:
Hypercholesterolemia, autosomal dominant, 3 (FHCL3). Also called: Familial hypercholesterolemia 3; Familial Hypercholesterolemia, Autosomal Dominant, 3; PCSK9-Related Familial Hypercholesterolemia, Autosomal Dominant. Identifiers: MedGen C1863551, MONDO:0011369, OMIM 603776.

Submissions (2):

Labcorp Genetics (formerly Invitae), Labcorp
Classification: Uncertain significance for Hypercholesterolemia, autosomal dominant, 3. Last evaluated: 2025-12-08. Review status: criteria provided, single submitter. Criteria: Invitae Variant Classification Sherloc (09022015). Collection method: clinical testing. Allele origin: germline.
Comment: This sequence change replaces leucine, which is neutral and non-polar, with phenylalanine, which is neutral and non-polar, at codon 108 of the PCSK9 protein (p.Leu108Phe). This variant is not present in population databases (gnomAD no frequency). This missense change has been observed in individual(s) with familial hypercholesterolemia (internal data). ClinVar contains an entry for this variant (Variation ID: 375851). Invitae Evidence Modeling of protein sequence and biophysical properties (such as structural, functional, and spatial information, amino acid conservation, physicochemical variation, residue mobility, and thermodynamic stability) indicates that this missense variant is not expected to disrupt PCSK9 protein function with a negative predictive value of 80%. This variant disrupts the p.Leu108 amino acid residue in PCSK9. Other variant(s) that disrupt this residue have been determined to be pathogenic (PMID: 22683120, 26195630, 29259136, 34948399; internal data). This suggests that this residue is clinically significant, and that variants that disrupt this residue are likely to be disease-causing. In summary, the available evidence is currently insufficient to determine the role of this variant in disease. Therefore, it has been classified as a Variant of Uncertain Significance.

Centre de Génétique Moléculaire et Chromosomique, Unité de génétique de l'Obésité et des Dyslipidémies, APHP, GH Hôpitaux Universitaires Pitié-Salpêtrière / Charles-Foix
Classification: Uncertain significance for Hypercholesterolemia, autosomal dominant, 3. Last evaluated: 2016-12-16. Review status: criteria provided, single submitter. Criteria: ACMG Guidelines, 2015. Collection method: clinical testing. Allele origin: germline. Affected: yes.

Literature cited by the submitters: PubMed 22683120 (cited by Labcorp Genetics (formerly Invitae), Labcorp); PubMed 26195630 (cited by Labcorp Genetics (formerly Invitae), Labcorp); PubMed 29259136 (cited by Labcorp Genetics (formerly Invitae), Labcorp); PubMed 34948399 (cited by Labcorp Genetics (formerly Invitae), Labcorp).